The following is an entry in ClinVar:

ClinVar aggregate classification (germline): Pathogenic (1 of 4 stars; one submission).

Submission:

Labcorp Genetics (formerly Invitae), Labcorp
Classification: Pathogenic. Last evaluated: 2019-07-15. Review status: criteria provided, single submitter. Criteria: Invitae Variant Classification Sherloc (09022015). Collection method: clinical testing. Allele origin: germline.
Comment: This variant has not been reported in the literature in individuals with SPTA1-related disease. Loss-of-function variants in SPTA1 are known to be pathogenic (PMID: 9192783, 15384986, 18218854, 18815189, 24895341). For these reasons, this variant has been classified as Pathogenic. This sequence change creates a premature translational stop signal (p.Gln1401*) in the SPTA1 gene. It is expected to result in an absent or disrupted protein product. This variant is not present in population databases (ExAC no frequency).

Literature cited by the submitters: PubMed 9192783; PubMed 15384986; PubMed 18218854; PubMed 18815189; PubMed 24895341.

NM_003126.4(SPTA1):c.4201C>T (p.Gln1401Ter)

Gene: SPTA1 (spectrin alpha, erythrocytic 1; minus strand). Cytogenetic location: 1q23.1.
Variant type: single nucleotide variant.
Coding change: c.4201C>T on transcript NM_003126.4 (MANE Select); coding-DNA position 4201, C replaced by T.
Protein change: p.Gln1401Ter; replaces glutamine 1401 with a stop codon.
Molecular consequence: nonsense.
Genome position (GRCh38, 1-based): chr1:158,644,390, G>A on the plus strand (C>T on the coding strand, the complement: SPTA1 is on the minus strand). VCF-style: chr1-158644390-G-A. GRCh37 (hg19) VCF-style: chr1-158614180-G-A.
Other names: short protein forms Q1401*.
Identifiers: ClinVar variation 939387 (VCV000939387.7), dbSNP rs866240607, ClinGen allele CA31267876.